The following is an entry in ClinVar:

NM_177438.3(DICER1):c.735-8T>C

Gene: DICER1 (dicer 1, ribonuclease III; minus strand). Cytogenetic location: 14q32.13.
Variant type: single nucleotide variant.
Coding change: c.735-8T>C on transcript NM_177438.3 (MANE Select); 8 bases into the intron before coding-DNA position 735, T replaced by C.
Molecular consequence: intron variant.
Genome position (GRCh38, 1-based): chr14:95,126,756, A>G on the plus strand (T>C on the coding strand, the complement: DICER1 is on the minus strand). VCF-style: chr14-95126756-A-G. GRCh37 (hg19) VCF-style: chr14-95593093-A-G.
Other names: c.735-8T>C (NM_001291628.2, NM_030621.4, NM_001271282.3 and 1 more transcripts).
Identifiers: ClinVar variation 1088486 (VCV001088486.11), dbSNP rs1893499726, ClinGen allele CA2156317729.

ClinVar aggregate classification (germline): Likely benign. Review status: criteria provided, multiple submitters, no conflicts (2 of 4 stars). 2 submissions from 2 submitters: Likely benign (2). Last evaluated 2026-08-17.

Conditions:
DICER1-related tumor predisposition. Also called: DICER1-related pleuropulmonary blastoma cancer predisposition syndrome; DICER1 syndrome. Identifiers: Orphanet 284343, MedGen C3839822, MONDO:0100216.

Allele frequency attached by ClinVar (database versions not stated): gnomAD exomes below 0.00001; TOPMed below 0.00001.
gnomAD v4.1: 5 of 1,599,724 alleles (0.00031%); highest among the groups gnomAD compares: South Asian, 0.0044%; no homozygotes.

Submissions (2):

Myriad Genetics, Inc.
Classification: Likely benign for DICER1-related tumor predisposition. Last evaluated: 2026-08-17. Review status: criteria provided, single submitter. Criteria: Myriad Autosomal Dominant, Autosomal Recessive and X-Linked Classification Criteria (2023). Collection method: clinical testing. Allele origin: unknown.
Comment: This variant is considered likely benign. This variant is intronic and is not expected to impact mRNA splicing.

Labcorp Genetics (formerly Invitae), Labcorp
Classification: Likely benign for DICER1-related tumor predisposition. Last evaluated: 2024-06-12. Review status: criteria provided, single submitter. Criteria: Invitae Variant Classification Sherloc (09022015). Collection method: clinical testing. Allele origin: germline.